The following is an entry in ClinVar:

NM_001242809.2(ANKRD6):c.546G>A (p.Ala182=)

Gene: ANKRD6 (ankyrin repeat domain 6; plus strand). Cytogenetic location: 6q15.
Variant type: single nucleotide variant.
Coding change: c.546G>A on transcript NM_001242809.2 (MANE Select); coding-DNA position 546, G replaced by A.
Protein change: p.Ala182=; no amino-acid change (alanine 182 retained).
Molecular consequence: synonymous variant.
Genome position (GRCh38, 1-based): chr6:89,613,821, G>A. VCF-style: chr6-89613821-G-A. GRCh37 (hg19) VCF-style: chr6-90323540-G-A.
Other names: c.546G>A, p.Ala182= (NM_001242811.1, NM_001242813.1, NM_014942.4); c.447G>A, p.Ala149= (NM_001242814.1).
Identifiers: ClinVar variation 2656761 (VCV002656761.24), dbSNP rs375469086, ClinGen allele CA3921190.

ClinVar aggregate classification (germline): Likely benign (1 of 4 stars; one submission).

Allele frequency attached by ClinVar (database versions not stated): ExAC 0.00001; gnomAD exomes 0.00002; gnomAD 0.00006; TOPMed 0.00006; ESP Exome Variant Server 0.00008; 1000 Genomes Project 30x 0.00016; 1000 Genomes Project 0.00020.
gnomAD v4.1: 43 of 1,614,004 alleles (0.0027%); highest among the groups gnomAD compares: African/African-American, 0.011%; no homozygotes.

Submission:

CeGaT Center for Human Genetics Tuebingen
Classification: Likely benign. Last evaluated: 2022-07-01. Review status: criteria provided, single submitter. Criteria: CeGaT Center For Human Genetics Tuebingen Variant Classification Criteria Version 2. Collection method: clinical testing. Allele origin: germline. Affected: yes. Observed: 1 variant allele.
Comment: ANKRD6: BP4, BP7